The following is an entry in ClinVar:

ClinVar aggregate classification (germline): Benign. Review status: criteria provided, multiple submitters, no conflicts (2 of 4 stars). 8 submissions from 8 submitters: Benign (6). 2 of the submissions do not count toward it. Last evaluated 2026-05-08.

Conditions:
Epiphyseal dysplasia, multiple, 6. Also called: COL9A1-Related Multiple Epiphyseal Dysplasia. Identifiers: MedGen C2675767, MONDO:0013591, OMIM 614135.

Allele frequency attached by ClinVar (database versions not stated): 1000 Genomes Project 0.08986; 1000 Genomes Project 30x 0.09322; gnomAD exomes 0.14856 and 0.17601; TOPMed 0.14904; ExAC 0.15240; gnomAD 0.15472 and 0.15856; ESP Exome Variant Server 0.16544.
gnomAD v4.1: 272,337 of 1,569,944 alleles (17%); highest among the groups gnomAD compares: Non-Finnish European, 20%; 25,837 homozygotes.

Submissions (8):

Women's Health and Genetics/Laboratory Corporation of America, LabCorp
Classification: Benign. Last evaluated: 2026-05-08. Review status: criteria provided, single submitter. Criteria: LabCorp Variant Classification Summary - May 2015. Collection method: clinical testing. Allele origin: germline.

Labcorp Genetics (formerly Invitae), Labcorp
Classification: Benign. Last evaluated: 2026-02-04. Review status: criteria provided, single submitter. Criteria: Invitae Variant Classification Sherloc (09022015). Collection method: clinical testing. Allele origin: germline.

Blueprint Genetics
Classification: Benign. Last evaluated: 2024-11-26. Review status: criteria provided, single submitter. Criteria: ACMG Guidelines, 2015. Collection method: clinical testing. Allele origin: germline.

Genome-Nilou Lab
Classification: Benign for Epiphyseal dysplasia, multiple, 6. Last evaluated: 2021-07-30. Review status: criteria provided, single submitter. Criteria: ACMG Guidelines, 2015. Collection method: clinical testing. Allele origin: germline. Affected: no.

GeneDx
Classification: Benign. Last evaluated: 2016-10-05. Review status: criteria provided, single submitter. Criteria: GeneDx Variant Classification (06012015). Collection method: clinical testing. Allele origin: germline. Affected: yes.
Comment: This variant is considered likely benign or benign based on one or more of the following criteria: it is a conservative change, it occurs at a poorly conserved position in the protein, it is predicted to be benign by multiple in silico algorithms, and/or has population frequency not consistent with disease.

PreventionGenetics, part of Exact Sciences
Classification: Benign. Review status: criteria provided, single submitter. Criteria: ACMG Guidelines, 2015. Collection method: clinical testing. Allele origin: germline.

Genome Diagnostics Laboratory, Amsterdam University Medical Center
Classification: Benign. Review status: no assertion criteria provided. Collection method: clinical testing. Allele origin: germline. Affected: yes. Study: VKGL Data-share Consensus. Not counted in ClinVar's aggregate classification.

Joint Genome Diagnostic Labs from Nijmegen and Maastricht, Radboudumc and MUMC+
Classification: Benign. Review status: no assertion criteria provided. Collection method: clinical testing. Allele origin: germline. Affected: yes. Study: VKGL Data-share Consensus. Not counted in ClinVar's aggregate classification.

NM_001851.6(COL9A1):c.1230+12T>C

Gene: COL9A1 (collagen type IX alpha 1 chain; minus strand). Cytogenetic location: 6q13.
Variant type: single nucleotide variant.
Coding change: c.1230+12T>C on transcript NM_001851.6 (MANE Select); 12 bases into the intron after coding-DNA position 1230, T replaced by C.
Molecular consequence: intron variant.
Genome position (GRCh38, 1-based): chr6:70,269,621, A>G on the plus strand (T>C on the coding strand, the complement: COL9A1 is on the minus strand). VCF-style: chr6-70269621-A-G. GRCh37 (hg19) VCF-style: chr6-70979324-A-G.
Other names: c.501+12T>C (NM_001377290.1, NM_078485.4, NM_001377289.1).
Identifiers: ClinVar variation 258341 (VCV000258341.18), dbSNP rs6935778, ClinGen allele CA3882333.